The following is an entry in ClinVar:

NM_006033.4(LIPG):c.1228T>G (p.Leu410Val)

Gene: LIPG (lipase G, endothelial type; plus strand). Cytogenetic location: 18q21.1.
Variant type: single nucleotide variant.
Coding change: c.1228T>G on transcript NM_006033.4 (MANE Select); coding-DNA position 1228, T replaced by G.
Protein change: p.Leu410Val; replaces leucine 410 with valine.
Molecular consequence: missense variant.
Genome position (GRCh38, 1-based): chr18:49,583,626, T>G. VCF-style: chr18-49583626-T-G. GRCh37 (hg19) VCF-style: chr18-47109996-T-G.
Other names: c.1006T>G, p.Leu336Val (NM_001308006.2); short protein forms L410V, L336V.
Identifiers: ClinVar variation 1485095 (VCV001485095.6), dbSNP rs778212352, ClinGen allele CA8959342.

ClinVar aggregate classification (germline): Uncertain significance (1 of 4 stars; one submission).

Allele frequency attached by ClinVar (database versions not stated): gnomAD exomes below 0.00001 and 0.00001; ExAC 0.00001.
gnomAD v4.1: 9 of 1,614,166 alleles (0.00056%); highest among the groups gnomAD compares: Admixed American, 0.0017%; no homozygotes.

Submission:

Labcorp Genetics (formerly Invitae), Labcorp
Classification: Uncertain significance. Last evaluated: 2021-10-28. Review status: criteria provided, single submitter. Criteria: Invitae Variant Classification Sherloc (09022015). Collection method: clinical testing. Allele origin: germline.
Comment: In summary, the available evidence is currently insufficient to determine the role of this variant in disease. Therefore, it has been classified as a Variant of Uncertain Significance. Algorithms developed to predict the effect of missense changes on protein structure and function are either unavailable or do not agree on the potential impact of this missense change (SIFT: "Tolerated"; PolyPhen-2: "Possibly Damaging"; Align-GVGD: "Class C0"). This variant has not been reported in the literature in individuals affected with LIPG-related conditions. This variant is present in population databases (rs778212352, gnomAD 0.003%). This sequence change replaces leucine, which is neutral and non-polar, with valine, which is neutral and non-polar, at codon 410 of the LIPG protein (p.Leu410Val).